The following is an entry in ClinVar:

ClinVar aggregate classification (germline): Uncertain significance. Review status: criteria provided, multiple submitters, no conflicts (2 of 4 stars). 2 submissions from 2 submitters: Uncertain significance (2). Last evaluated 2025-09-10.

Conditions:
Autosomal recessive limb-girdle muscular dystrophy type 2J (LGMDR10). Also called: MUSCULAR DYSTROPHY, LIMB-GIRDLE, AUTOSOMAL RECESSIVE 10; Limb-girdle muscular dystrophy, type 2J. Identifiers: Orphanet 140922, MedGen C1837342, MONDO:0012127, OMIM 608807.
Dilated cardiomyopathy 1G (CMD1G). Identifiers: Orphanet 154, MedGen C1858763, MONDO:0011400, OMIM 604145.

Allele frequency attached by ClinVar (database versions not stated): gnomAD exomes below 0.00001; gnomAD 0.00001; TOPMed 0.00001.
gnomAD v4.1: 6 of 1,613,730 alleles (0.00037%); highest among the groups gnomAD compares: Non-Finnish European, 0.00051%; no homozygotes.

Submissions (2):

Labcorp Genetics (formerly Invitae), Labcorp
Classification: Uncertain significance for Dilated cardiomyopathy 1G; Autosomal recessive limb-girdle muscular dystrophy type 2J. Last evaluated: 2025-09-10. Review status: criteria provided, single submitter. Criteria: Invitae Variant Classification Sherloc (09022015). Collection method: clinical testing. Allele origin: germline.
Comment: This sequence change replaces phenylalanine, which is neutral and non-polar, with leucine, which is neutral and non-polar, at codon 33655 of the TTN protein (p.Phe33655Leu). This variant is not present in population databases (gnomAD no frequency). This variant has not been reported in the literature in individuals affected with TTN-related conditions. ClinVar contains an entry for this variant (Variation ID: 1311262). Experimental studies and prediction algorithms are not available or were not evaluated, and the functional significance of this variant is currently unknown. This variant is located in the M band of TTN (PMID: 25589632). Non-truncating variants in this region may be relevant for neuromuscular disorders, but have not been definitively shown to cause cardiomyopathy (PMID: 23975875). In summary, the available evidence is currently insufficient to determine the role of this variant in disease. Therefore, it has been classified as a Variant of Uncertain Significance.

GeneDx
Classification: Uncertain significance. Last evaluated: 2022-05-20. Review status: criteria provided, single submitter. Criteria: GeneDx Variant Classification Process June 2021. Collection method: clinical testing. Allele origin: germline. Affected: yes.
Comment: Not observed in large population cohorts (gnomAD); Missense variant in a gene in which most reported pathogenic variants are truncating/loss-of-function; Has not been previously published as pathogenic or benign to our knowledge

Literature cited by the submitters: PubMed 25589632 (cited by Labcorp Genetics (formerly Invitae), Labcorp); PubMed 23975875 (cited by Labcorp Genetics (formerly Invitae), Labcorp).

NM_001267550.2(TTN):c.100963T>C (p.Phe33655Leu)

Genes: TTN-AS1 (TTN antisense RNA 1; plus strand), TTN (titin; minus strand). Cytogenetic location: 2q31.2.
Variant type: single nucleotide variant.
Coding change: c.100963T>C on transcript NM_001267550.2 (MANE Select); coding-DNA position 100963, T replaced by C.
Protein change: p.Phe33655Leu; replaces phenylalanine 33655 with leucine.
Molecular consequence: missense variant.
Genome position (GRCh38, 1-based): chr2:178,535,652, A>G on the plus strand (T>C on the coding strand, the complement: TTN is on the minus strand). VCF-style: chr2-178535652-A-G. GRCh37 (hg19) VCF-style: chr2-179400379-A-G.
Other names: c.96040T>C, p.Phe32014Leu (NM_001256850.1); c.73768T>C, p.Phe24590Leu (NM_003319.4); c.93259T>C, p.Phe31087Leu (NM_133378.4); c.74143T>C, p.Phe24715Leu (NM_133432.3); c.74344T>C, p.Phe24782Leu (NM_133437.4); c.100963T>C (NM_001267550.1); short protein forms F24590L, F24715L, F24782L, F31087L, F32014L, F33655L.
Identifiers: ClinVar variation 1311262 (VCV001311262.5), dbSNP rs984242810, ClinGen allele CA60960323.